The following is an entry in ClinVar:

NM_006219.3(PIK3CB):c.1883G>A (p.Arg628Gln)

Gene: PIK3CB (phosphatidylinositol-4,5-bisphosphate 3-kinase catalytic subunit beta; minus strand). Cytogenetic location: 3q22.3.
Variant type: single nucleotide variant.
Coding change: c.1883G>A on transcript NM_006219.3 (MANE Select); coding-DNA position 1883, G replaced by A.
Protein change: p.Arg628Gln; replaces arginine 628 with glutamine.
Molecular consequence: missense variant.
Genome position (GRCh38, 1-based): chr3:138,694,795, C>T on the plus strand (G>A on the coding strand, the complement: PIK3CB is on the minus strand). VCF-style: chr3-138694795-C-T. GRCh37 (hg19) VCF-style: chr3-138413637-C-T.
Other names: c.419G>A, p.Arg140Gln (NM_001256045.2); short protein forms R140Q, R628Q.
Identifiers: ClinVar variation 3212953 (VCV003212953.2), dbSNP rs780387670, ClinGen allele CA2639231.
Genomic context (GRCh38, chr3:138,694,795, plus strand): 5'-AACCCACCCAAGTTATTCCTTGCCCCAAAGAAAACCACCTGCAGAAGATACCTCATCTGT[C>T]GCAGGCAGCCTACAGCATATTCTCGAACGTACTGGTCTGGATAGTTGAAATCCAGAAGCT-3'
Protein context (NP_006210.1, residues 618-638): YVREYAVGCL[Arg628Gln]QMSDEELSQY

ClinVar aggregate classification (germline): Uncertain significance (1 of 4 stars; one submission).

Allele frequency attached by ClinVar (database versions not stated): gnomAD exomes 0.00001; gnomAD 0.00001; TOPMed below 0.00001; ExAC 0.00001.
gnomAD v4.1: 10 of 1,612,310 alleles (0.00062%); highest among the groups gnomAD compares: East Asian, 0.0045%; no homozygotes.

Submission:

Ambry Genetics
Classification: Uncertain significance. Last evaluated: 2026-07-01. Review status: criteria provided, single submitter. Criteria: Ambry Variant Classification Scheme 2023. Collection method: clinical testing. Allele origin: germline.
Comment: The p.R628Q variant (also known as c.1883G>A), located in coding exon 12 of the PIK3CB gene, results from a G to A substitution at nucleotide position 1883. The arginine at codon 628 is replaced by glutamine, an amino acid with highly similar properties. This amino acid position is conserved. In addition, this alteration is predicted to be tolerated by in silico analysis. Based on the available evidence, the clinical significance of this variant remains unclear.